The following is an entry in ClinVar:

ClinVar aggregate classification (germline): Uncertain significance (1 of 4 stars; one submission).

gnomAD v4.1: 14 of 1,541,492 alleles (0.00091%); highest among the groups gnomAD compares: Non-Finnish European, 0.001%; no homozygotes.

Submission:

Ambry Genetics
Classification: Uncertain significance. Last evaluated: 2024-12-02. Review status: criteria provided, single submitter. Criteria: Ambry Variant Classification Scheme 2023. Collection method: clinical testing. Allele origin: germline.
Comment: The p.P1779A variant (also known as c.5335C>G), located in coding exon 22 of the WNK2 gene, results from a C to G substitution at nucleotide position 5335. The proline at codon 1779 is replaced by alanine, an amino acid with highly similar properties. This amino acid position is conserved. In addition, this alteration is predicted to be tolerated by in silico analysis. Based on the available evidence, the clinical significance of this variant remains unclear.

NM_006648.4(WNK2):c.5335C>G (p.Pro1779Ala)

Gene: WNK2 (WNK lysine deficient protein kinase 2; plus strand). Cytogenetic location: 9q22.31.
Variant type: single nucleotide variant.
Coding change: c.5335C>G on transcript NM_006648.4 (MANE Select); coding-DNA position 5335, C replaced by G.
Protein change: p.Pro1779Ala; replaces proline 1779 with alanine.
Molecular consequence: missense variant.
Genome position (GRCh38, 1-based): chr9:93,292,800, C>G. VCF-style: chr9-93292800-C-G. GRCh37 (hg19) VCF-style: chr9-96055082-C-G.
Other names: c.5446C>G, p.Pro1816Ala (NM_001282394.3); short protein forms P1779A, P1816A.
Identifiers: ClinVar variation 3470569 (VCV003470569.1).